The following is an entry in ClinVar:

NM_003238.6(TGFB2):c.643+1G>A

Gene: TGFB2 (transforming growth factor beta 2; plus strand). Cytogenetic location: 1q41.
Variant type: single nucleotide variant.
Coding change: c.643+1G>A on transcript NM_003238.6 (MANE Select); the canonical splice donor site of the intron after coding-DNA position 643, G replaced by A.
Molecular consequence: splice donor variant.
Genome position (GRCh38, 1-based): chr1:218,434,215, G>A. VCF-style: chr1-218434215-G-A. GRCh37 (hg19) VCF-style: chr1-218607557-G-A.
Other names: c.727+1G>A (NM_001135599.4).
Identifiers: ClinVar variation 2576784 (VCV002576784.1), dbSNP rs771090216, ClinGen allele CA344726710.
Genomic context (GRCh38, chr1:218,434,215, plus strand): 5'-AAGGCGAATGGCTCTCCTTCGATGTAACTGATGCTGTTCATGAATGGCTTCACCATAAAG[G>A]TTACAAGCCACTCTCTCTTTTCCTCCCAAGATGTTCAGTATCCCTAAGTTACTTTAAATT-3'

ClinVar aggregate classification (germline): Pathogenic (1 of 4 stars; one submission).

Submission:

GeneDx
Classification: Pathogenic. Last evaluated: 2023-08-15. Review status: criteria provided, single submitter. Criteria: GeneDx Variant Classification Process June 2021. Collection method: clinical testing. Allele origin: germline. Affected: yes.
Comment: Canonical splice site variant predicted to result in a null allele in a gene for which loss of function is a known mechanism of disease; Not observed at significant frequency in large population cohorts (gnomAD); Has not been previously published as pathogenic or benign to our knowledge